The following is an entry in ClinVar:

NM_001082538.3(TCTN1):c.1282C>T (p.Arg428Trp)

Gene: TCTN1 (tectonic family member 1; plus strand). Cytogenetic location: 12q24.11.
Variant type: single nucleotide variant.
Coding change: c.1282C>T on transcript NM_001082538.3 (MANE Select); coding-DNA position 1282, C replaced by T.
Protein change: p.Arg428Trp; replaces arginine 428 with tryptophan.
Molecular consequence: missense variant. On other transcripts: intron variant (2).
Genome position (GRCh38, 1-based): chr12:110,642,340, C>T. VCF-style: chr12-110642340-C-T. GRCh37 (hg19) VCF-style: chr12-111080145-C-T.
Other names: c.1282C>T, p.Arg428Trp (NM_001082537.3); c.1114C>T, p.Arg372Trp (NM_001173975.3); c.748C>T, p.Arg250Trp (NM_001319681.2); c.1240C>T, p.Arg414Trp (NM_024549.6); c.1010+713C>T (NM_001173976.2); c.1190+713C>T (NM_001319680.2); c.1282C>T (NM_001082538.2); short protein forms R414W, R428W, R250W, R372W.
Identifiers: ClinVar variation 1386191 (VCV001386191.9), dbSNP rs572643772, ClinGen allele CA6786854.

ClinVar aggregate classification (germline): Uncertain significance. Review status: criteria provided, multiple submitters, no conflicts (2 of 4 stars). 3 submissions from 3 submitters: Uncertain significance (3). Last evaluated 2025-04-17.

Conditions:
Joubert syndrome 13 (JBTS13). Identifiers: Orphanet 475, MedGen C3280031, MONDO:0013608, OMIM 614173.
Joubert syndrome. Also called: CEREBELLOPARENCHYMAL DISORDER IV; JOUBERT-BOLTSHAUSER SYNDROME; Familial aplasia of the vermis. Identifiers: Orphanet 475, MedGen C5979921, MONDO:0018772.
Meckel-Gruber syndrome. Also called: DYSENCEPHALIA SPLANCHNOCYSTICA; GRUBER SYNDROME; Dysencephalia splachnocystica. Identifiers: Orphanet 564, MedGen C0265215, MONDO:0018921.
Inborn genetic diseases. Identifiers: MedGen C0950123, MeSH D030342.

Allele frequency attached by ClinVar (database versions not stated): 1000 Genomes Project 0.00020; gnomAD exomes 0.00001 and 0.00003; ExAC 0.00003; gnomAD 0.00003; TOPMed 0.00005; 1000 Genomes Project 30x 0.00016.
gnomAD v4.1: 25 of 1,614,162 alleles (0.0015%); highest among the groups gnomAD compares: East Asian, 0.011%; no homozygotes.

Submissions (3):

Labcorp Genetics (formerly Invitae), Labcorp
Classification: Uncertain significance for Joubert syndrome; Meckel-Gruber syndrome. Last evaluated: 2025-04-17. Review status: criteria provided, single submitter. Criteria: Invitae Variant Classification Sherloc (09022015). Collection method: clinical testing. Allele origin: germline.
Comment: This sequence change replaces arginine, which is basic and polar, with tryptophan, which is neutral and slightly polar, at codon 428 of the TCTN1 protein (p.Arg428Trp). This variant is present in population databases (rs572643772, gnomAD 0.01%). This variant has not been reported in the literature in individuals affected with TCTN1-related conditions. ClinVar contains an entry for this variant (Variation ID: 1386191). Invitae Evidence Modeling of protein sequence and biophysical properties (such as structural, functional, and spatial information, amino acid conservation, physicochemical variation, residue mobility, and thermodynamic stability) indicates that this missense variant is expected to disrupt TCTN1 protein function with a positive predictive value of 80%. In summary, the available evidence is currently insufficient to determine the role of this variant in disease. Therefore, it has been classified as a Variant of Uncertain Significance.

Fulgent Genetics
Classification: Uncertain significance for Joubert syndrome 13. Last evaluated: 2022-05-19. Review status: criteria provided, single submitter. Criteria: ACMG Guidelines, 2015. Collection method: clinical testing. Allele origin: unknown.

Ambry Genetics
Classification: Uncertain significance for Inborn genetic diseases. Last evaluated: 2021-08-09. Review status: criteria provided, single submitter. Criteria: Ambry Variant Classification Scheme 2023. Collection method: clinical testing. Allele origin: germline.